The following is an entry in ClinVar:

ClinVar aggregate classification (germline): Uncertain significance (1 of 4 stars; one submission).

Conditions:
X-linked agammaglobulinemia with growth hormone deficiency (IGHD3). Also called: HYPOGAMMAGLOBULINEMIA AND ISOLATED GROWTH HORMONE DEFICIENCY, X-LINKED; IGHD III; ISOLATED GROWTH HORMONE DEFICIENCY, TYPE III, WITH AGAMMAGLOBULINEMIA; Isolated growth hormone deficiency type 3; Growth hormone deficiency with hypogammaglobulinemia; AGAMMAGLOBULINEMIA AND ISOLATED GROWTH HORMONE DEFICIENCY, X-LINKED. Identifiers: Orphanet 231692, Orphanet 631, MedGen C0472813, MONDO:0010615, OMIM 307200.

Submission:

Labcorp Genetics (formerly Invitae), Labcorp
Classification: Uncertain significance for X-linked agammaglobulinemia with growth hormone deficiency. Last evaluated: 2024-04-15. Review status: criteria provided, single submitter. Criteria: Invitae Variant Classification Sherloc (09022015). Collection method: clinical testing. Allele origin: germline.
Comment: This sequence change replaces arginine, which is basic and polar, with leucine, which is neutral and non-polar, at codon 520 of the BTK protein (p.Arg520Leu). This variant is not present in population databases (gnomAD no frequency). This variant has not been reported in the literature in individuals affected with BTK-related conditions. Advanced modeling of protein sequence and biophysical properties (such as structural, functional, and spatial information, amino acid conservation, physicochemical variation, residue mobility, and thermodynamic stability) performed at Invitae indicates that this missense variant is expected to disrupt BTK protein function with a positive predictive value of 80%. This variant disrupts the p.Arg520 amino acid residue in BTK. Other variant(s) that disrupt this residue have been determined to be pathogenic (PMID: 7849721, 7880320, 11472359, 12217331, 12655572, 15661032, 18677443, 27980540). This suggests that this residue is clinically significant, and that variants that disrupt this residue are likely to be disease-causing. In summary, the available evidence is currently insufficient to determine the role of this variant in disease. Therefore, it has been classified as a Variant of Uncertain Significance.

Literature cited by the submitters: PubMed 7849721; PubMed 7880320; PubMed 11472359; PubMed 12217331; PubMed 12655572; PubMed 15661032; PubMed 18677443; PubMed 27980540.

NM_000061.3(BTK):c.1559G>T (p.Arg520Leu)

Gene: BTK (Bruton tyrosine kinase; minus strand). Cytogenetic location: Xq22.1.
Variant type: single nucleotide variant.
Coding change: c.1559G>T on transcript NM_000061.3 (MANE Select); coding-DNA position 1559, G replaced by T.
Protein change: p.Arg520Leu; replaces arginine 520 with leucine.
Molecular consequence: missense variant. On other transcripts: intron variant (1).
Genome position (GRCh38, 1-based): chrX:101,356,059, C>A on the plus strand (G>T on the coding strand, the complement: BTK is on the minus strand). VCF-style: chrX-101356059-C-A. GRCh37 (hg19) VCF-style: chrX-100611047-C-A.
Other names: c.1661G>T, p.Arg554Leu (NM_001287344.2); c.1039-1365G>T (NM_001287345.2); short protein forms R554L, R520L.
Identifiers: ClinVar variation 2833703 (VCV002833703.3), dbSNP rs128621202, ClinGen allele CA413922961.
Genomic context (GRCh38, chrX:101,356,059, plus strand): 5'-CTACTTCCACCCCATCAGCCCTTTGTCCTAGGCCAATCCTTCTAAGGTCCCACCAGGTCT[C>A]GGTGAAGGAACTGCTTTGACTCCAGGTATTCCATGGCTTCACAGACATCCTTGCACATCT-3'
Protein context (NP_000052.1, residues 510-530): EYLESKQFLH[Arg520Leu]DLAARNCLVN